The following is an entry in ClinVar:

NM_016203.4(PRKAG2):c.1107C>A (p.Ser369Arg)

Gene: PRKAG2 (protein kinase AMP-activated non-catalytic subunit gamma 2; minus strand). Cytogenetic location: 7q36.1.
Variant type: single nucleotide variant.
Coding change: c.1107C>A on transcript NM_016203.4 (MANE Select); coding-DNA position 1107, C replaced by A.
Protein change: p.Ser369Arg; replaces serine 369 with arginine.
Molecular consequence: missense variant.
Genome position (GRCh38, 1-based): chr7:151,568,842, G>T on the plus strand (C>A on the coding strand, the complement: PRKAG2 is on the minus strand). VCF-style: chr7-151568842-G-T. GRCh37 (hg19) VCF-style: chr7-151265928-G-T.
Other names: c.975C>A, p.Ser325Arg (NM_001040633.2, NM_001407024.1); c.732C>A, p.Ser244Arg (NM_001304527.2, NM_001407029.1); c.384C>A, p.Ser128Arg (NM_001304531.2, NM_001407034.1, NM_001407035.1 and 1 more transcripts); c.735C>A, p.Ser245Arg (NM_001363698.2, NM_001407028.1); c.1107C>A, p.Ser369Arg (NM_001407021.1); c.1104C>A, p.Ser368Arg (NM_001407022.1, NM_001407023.1); c.972C>A, p.Ser324Arg (NM_001407026.1, NM_001407027.1); c.819C>A, p.Ser273Arg (NM_001407030.1); and 6 more; short protein forms S127R, S128R, S144R, S148R, S244R, S245R, S261R, S263R.
Identifiers: ClinVar variation 3894437 (VCV003894437.1).

ClinVar aggregate classification (germline): Uncertain significance (1 of 4 stars; one submission).

Conditions:
Cardiomyopathy (CMYO). Also called: Cardiomyopathies. Identifiers: Orphanet 167848, MedGen C0878544, MONDO:0004994, HP:0001638. Inheritance: Various modes of inheritance.

Submission:

Color Diagnostics, LLC DBA Color Health
Classification: Uncertain significance for Cardiomyopathy. Last evaluated: 2024-01-17. Review status: criteria provided, single submitter. Criteria: ACMG Guidelines, 2015. Collection method: clinical testing. Allele origin: germline.
Comment: This missense variant replaces serine with arginine at codon 369 of the PRKAG2 protein. Computational prediction suggests that this variant may have deleterious impact on protein structure and function (internally defined REVEL score threshold >= 0.7, PMID: 27666373). To our knowledge, functional studies have not been reported for this variant. This variant has not been reported in individuals affected with PRKAG2-related disorders in the literature. This variant has not been identified in the general population by the Genome Aggregation Database (gnomAD). The available evidence is insufficient to determine the role of this variant in disease conclusively. Therefore, this variant is classified as a Variant of Uncertain Significance.